The following is an entry in ClinVar:

NM_032043.3(BRIP1):c.1889del (p.Thr630fs)

Gene: BRIP1 (BRCA1 interacting DNA helicase 1; minus strand). Cytogenetic location: 17q23.2.
Variant type: Deletion.
Coding change: c.1889del on transcript NM_032043.3 (MANE Select); coding-DNA position 1889, one base deleted (C; older notation c.1889delC).
Protein change: p.Thr630fs; shifts the reading frame from threonine 630.
Molecular consequence: frameshift variant.
Genome position (GRCh38, 1-based): chr17:61,780,307, G deleted on the plus strand (C on the coding strand, the reverse complement: BRIP1 is on the minus strand). VCF-style (leftmost placement, unchanged base first): chr17-61780306-TG-T. GRCh37 (hg19) VCF-style: chr17-59857667-TG-T.
Other names: c.1889delC (NM_032043.2, NM_032043.3); short protein forms T630fs.
Identifiers: ClinVar variation 419076 (VCV000419076.18), dbSNP rs1064793626, ClinGen allele CA16620525.

ClinVar aggregate classification (germline): Pathogenic/Likely pathogenic. Review status: criteria provided, multiple submitters, no conflicts (2 of 4 stars). 7 submissions from 7 submitters: Pathogenic (5); Likely pathogenic (1). 1 of the submissions does not count toward it. Last evaluated 2024-08-23.

Conditions:
Familial cancer of breast. Also called: hereditary breast carcinoma; Hereditary breast cancer; BREAST CANCER, FAMILIAL. Identifiers: Orphanet 227535, MedGen C0346153, MONDO:0016419, OMIM 114480. Disease mechanism: loss of function.
Breast and/or ovarian cancer. Identifiers: MedGen CN221562.
Hereditary cancer-predisposing syndrome. Also called: Hereditary neoplastic syndrome; Hereditary Cancer Syndrome; Neoplastic Syndromes, Hereditary; Tumor predisposition. Identifiers: Orphanet 140162, MedGen C0027672, MeSH D009386, MONDO:0015356.
Fanconi anemia complementation group J. Also called: BRIP1-Related Fanconi Anemia. Identifiers: Orphanet 84, MedGen C1836860, MONDO:0012187, OMIM 609054.

Submissions (7):

Ambry Genetics
Classification: Pathogenic for Hereditary cancer-predisposing syndrome. Last evaluated: 2024-08-23. Review status: criteria provided, single submitter. Criteria: Ambry Variant Classification Scheme 2023. Collection method: clinical testing. Allele origin: germline.
Comment: The c.1889delC pathogenic mutation, located in coding exon 12 of the BRIP1 gene, results from a deletion of one nucleotide at nucleotide position 1889, causing a translational frameshift with a predicted alternate stop codon (p.T630Nfs*58). This variant is considered to be rare based on population cohorts in the Genome Aggregation Database (gnomAD). This alteration is expected to result in loss of function by premature protein truncation or nonsense-mediated mRNA decay. As such, this alteration is interpreted as a disease-causing mutation.

Labcorp Genetics (formerly Invitae), Labcorp
Classification: Pathogenic for Familial cancer of breast; Fanconi anemia complementation group J. Last evaluated: 2024-03-04. Review status: criteria provided, single submitter. Criteria: Invitae Variant Classification Sherloc (09022015). Collection method: clinical testing. Allele origin: germline.
Comment: This sequence change creates a premature translational stop signal (p.Thr630Asnfs*58) in the BRIP1 gene. It is expected to result in an absent or disrupted protein product. Loss-of-function variants in BRIP1 are known to be pathogenic (PMID: 16116423, 17033622, 21964575). This variant is not present in population databases (gnomAD no frequency). This variant has not been reported in the literature in individuals affected with BRIP1-related conditions. ClinVar contains an entry for this variant (Variation ID: 419076). For these reasons, this variant has been classified as Pathogenic.

Baylor Genetics
Classification: Likely pathogenic for Familial cancer of breast. Last evaluated: 2024-02-22. Review status: criteria provided, single submitter. Criteria: ACMG Guidelines, 2015. Collection method: clinical testing. Allele origin: unknown.

Myriad Genetics, Inc.
Classification: Pathogenic for Familial cancer of breast. Last evaluated: 2023-06-05. Review status: criteria provided, single submitter. Criteria: Myriad Autosomal Dominant, Autosomal Recessive and X-Linked Classification Criteria (2023). Collection method: clinical testing. Allele origin: unknown.
Comment: This variant is considered pathogenic. This variant creates a frameshift predicted to result in premature protein truncation.

Color Diagnostics, LLC DBA Color Health
Classification: Pathogenic for Hereditary cancer-predisposing syndrome. Last evaluated: 2020-01-15. Review status: criteria provided, single submitter. Criteria: ACMG Guidelines, 2015. Collection method: clinical testing. Allele origin: germline.
Comment: This variant deletes 1 nucleotide in exon 13 of the BRIP1 gene, creating a frameshift and premature translation stop signal. This variant is expected to result in an absent or non-functional protein product. This variant has not been identified in the general population by the Genome Aggregation Database (gnomAD). Loss of BRIP1 function is a known mechanism of disease. Based on the available evidence, this variant is classified as Pathogenic.

GeneDx
Classification: Pathogenic. Last evaluated: 2015-05-19. Review status: criteria provided, single submitter. Criteria: GeneDx Variant Classification (06012015). Collection method: clinical testing. Allele origin: germline. Affected: yes.
Comment: This deletion of one nucleotide in BRIP1 is denoted c.1889delC at the cDNA level and p.Thr630AsnfsX58 (T630NfsX58) at the protein level. The normal sequence, with the base that is deleted in braces, is GTTA[C]ATTT. The deletion causes a frameshift, which changes a Threonine to an Asparagine at codon 630, and creates a premature stop codon at position 58 of the new reading frame. Although this variant has not, to our knowledge, been reported in the literature, it is predicted to cause loss of normal protein function through either protein truncation or nonsense-mediated mRNA decay. we consider this variant to be pathogenic.BRIP1 has been only recently described in association with cancer predisposition and the risks are not well understood. The presence of a BRIP1 mutation may confer an increased risk for female breast cancer and ovarian cancer based on currently available data (Seal 2006, Rafnar 2011, Pennington 2014). In one case-control study, truncating BRIP1 mutations were identified in 9 out of 1,212 individuals previously diagnosed with breast cancer, from BRCA-negative families, and in 2 out of 2,081 controls, suggesting an increased risk for breast cancer (OR = 2.0) (Seal 2006). Of note, BRIP1 missense variants found in this study were not associated with cancer risk. A specific frameshift variant found in an Icelandic cohort was associated with an increased risk for both ovarian and pancreatic cancer, while another frameshift variant, found in a Spanish cohort, conferred an increased risk for both breast and ovarian cancer in a study looking at sequence variants and their association with these cancer types (Rafnar 2011). Pennington et al. (2014) also identified a germline BRIP1 mutation in 4 out of 367 patients, unselected for family history, who had a personal history of ovarian cancer, peritoneal cancer or fallopian tube cancer. Of note, it has been hypothesized that BRIP1 may be a low penetrance allele as families with multiple cases of breast cancer, found to harbor a BRIP1 mutation, have shown incomplete segregation with disease (Seal 2006).Fanconi Anemia (FA) is a rare autosomal recessive condition that can be caused by two mutations (one in each copy of the gene) in the BRIP1 gene (Seal 2006). This condition is characterized by physical abnormalities, bone marrow failure, and increased risk for malignancy in children including leukemia and certain solid tumors. The Fanconi Anemia phenotype due to BRIP1 mutations is thought to result in a lower rate of childhood solid tumors compared to the phenotype due to two BRCA2 variants (Apostolou 2013). If a BRIP1 mutation carrier'spartner also carries a BRIP1mutation, the risk to have a child with FA is 25% with each pregnancy.

CZECANCA consortium
Classification: Pathogenic for Breast and/or ovarian cancer. Last evaluated: 2019-06-11. Review status: no assertion criteria provided. Collection method: clinical testing. Allele origin: germline. Affected: yes. Observed: 1 variant allele. Not counted in ClinVar's aggregate classification.

Literature cited by the submitters: PubMed 16116423 (cited by Labcorp Genetics (formerly Invitae), Labcorp); PubMed 17033622 (cited by Labcorp Genetics (formerly Invitae), Labcorp); PubMed 21964575 (cited by Labcorp Genetics (formerly Invitae), Labcorp); PubMed 32295079 (cited by CZECANCA consortium).